The following is an entry in ClinVar:

ClinVar aggregate classification (germline): Likely benign. Review status: criteria provided, multiple submitters, no conflicts (2 of 4 stars). 5 submissions from 5 submitters: Likely benign (4). 1 of the submissions does not count toward it. Last evaluated 2026-06-01.

Conditions:
UBR1-related disorder. Also called: UBR1-related condition.

Allele frequency attached by ClinVar (database versions not stated): TOPMed 0.00008; gnomAD 0.00011 and 0.00014; ExAC 0.00013; gnomAD exomes 0.00017; 1000 Genomes Project 0.00020; 1000 Genomes Project 30x 0.00031.
gnomAD v4.1: 258 of 1,614,078 alleles (0.016%); highest among the groups gnomAD compares: Middle Eastern, 0.5%; 3 homozygotes.

Submissions (5):

CeGaT Center for Human Genetics Tuebingen
Classification: Likely benign. Last evaluated: 2026-06-01. Review status: criteria provided, single submitter. Criteria: CeGaT Center For Human Genetics Tuebingen Variant Classification Criteria Version 2. Collection method: clinical testing. Allele origin: germline. Affected: yes. Observed: 7 variant alleles.
Comment: UBR1: BP4, BP7

Labcorp Genetics (formerly Invitae), Labcorp
Classification: Likely benign. Last evaluated: 2026-01-28. Review status: criteria provided, single submitter. Criteria: Invitae Variant Classification Sherloc (09022015). Collection method: clinical testing. Allele origin: germline.

Blueprint Genetics
Classification: Likely benign. Last evaluated: 2024-05-07. Review status: criteria provided, single submitter. Criteria: ACMG Guidelines, 2015. Collection method: clinical testing. Allele origin: germline.

Breakthrough Genomics
Classification: Likely benign. Review status: criteria provided, single submitter. Criteria: ACMG Guidelines, 2015. Collection method: not provided. Allele origin: germline. Inheritance: Autosomal recessive inheritance. Affected: yes.

PreventionGenetics, part of Exact Sciences
Classification: Likely benign for UBR1-related condition. Last evaluated: 2019-08-30. Review status: no assertion criteria provided. Collection method: clinical testing. Allele origin: germline. Not counted in ClinVar's aggregate classification.
Comment: This variant is classified as likely benign based on ACMG/AMP sequence variant interpretation guidelines (Richards et al. 2015 PMID: 25741868, with internal and published modifications).

NM_174916.3(UBR1):c.891A>G (p.Pro297=)

Gene: UBR1 (ubiquitin protein ligase E3 component n-recognin 1; minus strand). Cytogenetic location: 15q15.2.
Variant type: single nucleotide variant.
Coding change: c.891A>G on transcript NM_174916.3 (MANE Select); coding-DNA position 891, A replaced by G.
Protein change: p.Pro297=; no amino-acid change (proline 297 retained).
Molecular consequence: synonymous variant.
Genome position (GRCh38, 1-based): chr15:43,059,796, T>C on the plus strand (A>G on the coding strand, the complement: UBR1 is on the minus strand). VCF-style: chr15-43059796-T-C. GRCh37 (hg19) VCF-style: chr15-43351994-T-C.
Identifiers: ClinVar variation 740915 (VCV000740915.35), dbSNP rs564328078, ClinGen allele CA7518879.